The following is an entry in ClinVar:

ClinVar aggregate classification (germline): Uncertain significance. Review status: criteria provided, multiple submitters, no conflicts (2 of 4 stars). 4 submissions from 4 submitters: Uncertain significance (4). Last evaluated 2024-12-24.

Allele frequency attached by ClinVar (database versions not stated): ESP Exome Variant Server 0.00008; gnomAD 0.00010 and 0.00011; gnomAD exomes 0.00010 and 0.00021; TOPMed 0.00016; ExAC 0.00024.

Submissions (4):

Labcorp Genetics (formerly Invitae), Labcorp
Classification: Uncertain significance. Last evaluated: 2024-12-24. Review status: criteria provided, single submitter. Criteria: Invitae Variant Classification Sherloc (09022015). Collection method: clinical testing. Allele origin: germline.
Comment: This sequence change falls in intron 7 of the UPB1 gene. It does not directly change the encoded amino acid sequence of the UPB1 protein. It affects a nucleotide within the consensus splice site. This variant is present in population databases (rs777845008, gnomAD 0.09%). This variant has not been reported in the literature in individuals affected with UPB1-related conditions. ClinVar contains an entry for this variant (Variation ID: 1208542). Variants that disrupt the consensus splice site are a relatively common cause of aberrant splicing (PMID: 17576681, 9536098). Algorithms developed to predict the effect of sequence changes on RNA splicing suggest that this variant may disrupt the consensus splice site. In summary, the available evidence is currently insufficient to determine the role of this variant in disease. Therefore, it has been classified as a Variant of Uncertain Significance.

Women's Health and Genetics/Laboratory Corporation of America, LabCorp
Classification: Uncertain significance. Last evaluated: 2024-09-13. Review status: criteria provided, single submitter. Criteria: LabCorp Variant Classification Summary - May 2015. Collection method: clinical testing. Allele origin: germline.
Comment: Variant summary: UPB1 c.873+2dupT alters a nucleotide located close to a canonical splice site and therefore could affect mRNA splicing, leading to a significantly altered protein sequence. Several computational tools predict a significant impact on normal splicing: Four predict the variant abolishes a 5' splicing donor site. However, these predictions have yet to be confirmed by functional studies. The variant allele was found at a frequency of 0.00021 in 250190 control chromosomes. This frequency is not significantly higher than estimated for a pathogenic variant in UPB1 causing Deficiency Of Beta-Ureidopropionase, allowing no conclusion about variant significance. To our knowledge, no occurrence of c.873+2dupT in individuals affected with Deficiency Of Beta-Ureidopropionase and no experimental evidence demonstrating its impact on protein function have been reported. ClinVar contains an entry for this variant (Variation ID: 1208542). Based on the evidence outlined above, the variant was classified as uncertain significance.

Blueprint Genetics
Classification: Uncertain significance. Last evaluated: 2023-06-02. Review status: criteria provided, single submitter. Criteria: ACMG Guidelines, 2015. Collection method: clinical testing. Allele origin: germline.

GeneDx
Classification: Uncertain significance. Last evaluated: 2020-03-17. Review status: criteria provided, single submitter. Criteria: GeneDx Variant Classification Process June 2021. Collection method: clinical testing. Allele origin: germline. Affected: yes.
Comment: Has not been previously published as pathogenic or benign to our knowledge; In-silico analysis, which includes splice predictors and evolutionary conservation, is inconclusive as to whether the variant alters gene splicing. In the absence of RNA/functional studies, the actual effect of this sequence change is unknown.

Literature cited by the submitters: PubMed 17576681 (cited by Labcorp Genetics (formerly Invitae), Labcorp); PubMed 9536098 (cited by Labcorp Genetics (formerly Invitae), Labcorp).

NM_016327.3(UPB1):c.873+2dup

Gene: UPB1 (beta-ureidopropionase 1; plus strand). Cytogenetic location: 22q11.23.
Variant type: Duplication.
Coding change: c.873+2dup on transcript NM_016327.3 (MANE Select); the canonical splice donor site of the intron after coding-DNA position 873, one base duplicated (T; older notation c.873+2dupT).
Molecular consequence: splice donor variant.
Genome position (GRCh38, 1-based): chr22:24,520,470, T duplicated. VCF-style (leftmost placement, unchanged base first): chr22-24520469-G-GT. GRCh37 (hg19) VCF-style: chr22-24916437-G-GT.
Other names: c.873+2dupT (NM_016327.3).
Identifiers: ClinVar variation 1208542 (VCV001208542.9), dbSNP rs777845008, ClinGen allele CA10153383.